The following is an entry in ClinVar:

NM_005334.3(HCFC1):c.4942+9C>T

Gene: HCFC1 (host cell factor C1; minus strand). Cytogenetic location: Xq28.
Variant type: single nucleotide variant.
Coding change: c.4942+9C>T on transcript NM_005334.3 (MANE Select); 9 bases into the intron after coding-DNA position 4942, C replaced by T.
Molecular consequence: intron variant.
Genome position (GRCh38, 1-based): chrX:153,952,505, G>A on the plus strand (C>T on the coding strand, the complement: HCFC1 is on the minus strand). VCF-style: chrX-153952505-G-A. GRCh37 (hg19) VCF-style: chrX-153217956-G-A.
Identifiers: ClinVar variation 511810 (VCV000511810.5), dbSNP rs782480118, ClinGen allele CA10556897.

ClinVar aggregate classification (germline): Likely benign. Review status: criteria provided, multiple submitters, no conflicts (2 of 4 stars). 3 submissions from 3 submitters: Likely benign (3). Last evaluated 2024-02-24.

Conditions:
Methylmalonic acidemia with homocystinuria, type cblX (MAHCX). Also called: INTELLECTUAL DEVELOPMENTAL DISORDER, X-LINKED 3. Identifiers: Orphanet 369962, MedGen C0796208, MONDO:0010657, OMIM 309541.

Allele frequency attached by ClinVar (database versions not stated): gnomAD 0.00001; ExAC 0.00002; gnomAD exomes 0.00002; TOPMed 0.00002.
gnomAD v4.1: 23 of 1,144,572 alleles (0.002%); highest among the groups gnomAD compares: South Asian, 0.012%; no homozygotes.

Submissions (3):

Labcorp Genetics (formerly Invitae), Labcorp
Classification: Likely benign for Methylmalonic acidemia with homocystinuria, type cblX. Last evaluated: 2024-02-24. Review status: criteria provided, single submitter. Criteria: Invitae Variant Classification Sherloc (09022015). Collection method: clinical testing. Allele origin: germline.

Blueprint Genetics
Classification: Likely benign. Last evaluated: 2023-02-15. Review status: criteria provided, single submitter. Criteria: ACMG Guidelines, 2015. Collection method: clinical testing. Allele origin: germline.

GeneDx
Classification: Likely benign. Last evaluated: 2017-09-22. Review status: criteria provided, single submitter. Criteria: GeneDx Variant Classification (06012015). Collection method: clinical testing. Allele origin: germline. Affected: yes.
Comment: This variant is considered likely benign or benign based on one or more of the following criteria: it is a conservative change, it occurs at a poorly conserved position in the protein, it is predicted to be benign by multiple in silico algorithms, and/or has population frequency not consistent with disease.